The following is an entry in ClinVar:

ClinVar aggregate classification (germline): Uncertain significance. Review status: criteria provided, multiple submitters, no conflicts (2 of 4 stars). 2 submissions from 2 submitters: Uncertain significance (2). Last evaluated 2025-11-13.

gnomAD v4.1: 20 of 1,586,372 alleles (0.0013%); highest among the groups gnomAD compares: Admixed American, 0.0057%; no homozygotes.

Submissions (2):

Labcorp Genetics (formerly Invitae), Labcorp
Classification: Uncertain significance. Last evaluated: 2025-11-13. Review status: criteria provided, single submitter. Criteria: Invitae Variant Classification Sherloc (09022015). Collection method: clinical testing. Allele origin: germline.
Comment: This sequence change replaces arginine, which is basic and polar, with histidine, which is basic and polar, at codon 921 of the SLC12A2 protein (p.Arg921His). This variant is present in population databases (rs371689331, gnomAD 0.008%). This variant has not been reported in the literature in individuals affected with SLC12A2-related conditions. Invitae Evidence Modeling of protein sequence and biophysical properties (such as structural, functional, and spatial information, amino acid conservation, physicochemical variation, residue mobility, and thermodynamic stability) has been performed for this missense variant. However, the output from this modeling did not meet the statistical confidence thresholds required to predict the impact of this variant on SLC12A2 protein function. In summary, the available evidence is currently insufficient to determine the role of this variant in disease. Therefore, it has been classified as a Variant of Uncertain Significance.

GeneDx
Classification: Uncertain significance. Last evaluated: 2025-05-18. Review status: criteria provided, single submitter. Criteria: GeneDx Variant Classification Process June 2021. Collection method: clinical testing. Allele origin: germline. Affected: yes.
Comment: In silico analysis supports that this missense variant has a deleterious effect on protein structure/function; Has not been previously published as pathogenic or benign to our knowledge

NM_001046.3(SLC12A2):c.2762G>A (p.Arg921His)

Gene: SLC12A2 (solute carrier family 12 member 2; plus strand). Cytogenetic location: 5q23.3.
Variant type: single nucleotide variant.
Coding change: c.2762G>A on transcript NM_001046.3 (MANE Select); coding-DNA position 2762, G replaced by A.
Protein change: p.Arg921His; replaces arginine 921 with histidine.
Molecular consequence: missense variant. On other transcripts: non-coding transcript variant (1).
Genome position (GRCh38, 1-based): chr5:128,171,705, G>A. VCF-style: chr5-128171705-G-A. GRCh37 (hg19) VCF-style: chr5-127507397-G-A.
Other names: c.2762G>A, p.Arg921His (NM_001256461.2); short protein forms R921H.
Identifiers: ClinVar variation 4530884 (VCV004530884.2).